The following is an entry in ClinVar:

ClinVar aggregate classification (germline): Uncertain significance. Review status: criteria provided, single submitter (1 of 4 stars). 2 submissions from 2 submitters: Uncertain significance (1). 1 of the submissions does not count toward it. Last evaluated 2024-05-06.

Allele frequency attached by ClinVar (database versions not stated): gnomAD 0.00001 and 0.00002; gnomAD exomes 0.00001.
gnomAD v4.1: 14 of 1,613,868 alleles (0.00087%); highest among the groups gnomAD compares: Non-Finnish European, 0.0011%; no homozygotes.

Submissions (2):

Women's Health and Genetics/Laboratory Corporation of America, LabCorp
Classification: Uncertain significance. Last evaluated: 2024-05-06. Review status: criteria provided, single submitter. Criteria: LabCorp Variant Classification Summary - May 2015. Collection method: clinical testing. Allele origin: germline.

Department of Pathology and Laboratory Medicine, Sinai Health System
Classification: Uncertain significance. Review status: no assertion criteria provided. Collection method: clinical testing. Allele origin: unknown. Affected: yes. Study: The Canadian Open Genetics Repository (COGR). Not counted in ClinVar's aggregate classification.
Comment: The TNXB p.Glu2011Lys variant was not identified in the literature nor was it identified in ClinVar or LOVD 3.0. The variant was identified in dbSNP (ID: rs1434254207) but was not identified in the following control databases: the 1000 Genomes Project, the NHLBI GO Exome Sequencing Project, or the Genome Aggregation Database (March 6, 2019, v2.1.1). The p.Glu2011 residue has limited species conservation data and three out of four computational analyses (SIFT, AlignGVGD, BLOSUM, MutationTaster) do not suggest a high likelihood of impact to the protein; this information is not predictive enough to rule out pathogenicity. The variant occurs outside of the splicing consensus sequence and in silico or computational prediction software programs (SpliceSiteFinder, MaxEntScan, NNSPLICE, GeneSplicer) do not predict a difference in splicing. In summary, based on the above information the clinical significance of this variant cannot be determined with certainty at this time. This variant is classified as a variant of uncertain significance.

NM_001365276.2(TNXB):c.6031G>A (p.Glu2011Lys)

Gene: TNXB (tenascin XB; minus strand). Cytogenetic location: 6p21.33.
Variant type: single nucleotide variant.
Coding change: c.6031G>A on transcript NM_001365276.2 (MANE Select); coding-DNA position 6031, G replaced by A.
Protein change: p.Glu2011Lys; replaces glutamic acid 2011 with lysine.
Molecular consequence: missense variant.
Genome position (GRCh38, 1-based): chr6:32,068,579, C>T on the plus strand (G>A on the coding strand, the complement: TNXB is on the minus strand). VCF-style: chr6-32068579-C-T. GRCh37 (hg19) VCF-style: chr6-32036356-C-T.
Other names: c.6031G>A, p.Glu2011Lys (NM_019105.8); short protein forms E2011K.
Identifiers: ClinVar variation 1049100 (VCV001049100.2), dbSNP rs1434254207, ClinGen allele CA363404246.
Genomic context (GRCh38, chr6:32,068,579, plus strand): 5'-CTGCCTTGGGCTGCCCATCTCCATTCCTGTACTGGACCAGGAAGTGGTCAAACTGTCCCT[C>T]GGGAACTGTCCAGGACAGGCTGAGGGAGTCAGGGGTGGCATCTGTCACGGTCAGCTCCCC-3'
Protein context (NP_001352205.1, residues 2001-2021): DSLSLSWTVP[Glu2011Lys]GQFDHFLVQY